The following is an entry in ClinVar:

ClinVar aggregate classification (germline): Uncertain significance (1 of 4 stars; one submission).

Submission:

Athena Diagnostics
Classification: Uncertain significance. Last evaluated: 2023-03-02. Review status: criteria provided, single submitter. Criteria: Athena Diagnostics Criteria. Collection method: clinical testing. Allele origin: unknown.
Comment: Available data are insufficient to determine the clinical significance of the variant at this time. This variant has not been reported in large, multi-ethnic general populations. Computational tools predict that this variant is damaging.

NM_001378452.1(ITPR1):c.4351T>C (p.Tyr1451His)

Gene: ITPR1 (inositol 1,4,5-trisphosphate receptor type 1; plus strand). Cytogenetic location: 3p26.1.
Variant type: single nucleotide variant.
Coding change: c.4351T>C on transcript NM_001378452.1 (MANE Select); coding-DNA position 4351, T replaced by C.
Protein change: p.Tyr1451His; replaces tyrosine 1451 with histidine.
Molecular consequence: missense variant.
Genome position (GRCh38, 1-based): chr3:4,697,216, T>C. VCF-style: chr3-4697216-T-C. GRCh37 (hg19) VCF-style: chr3-4738900-T-C.
Other names: c.4324T>C, p.Tyr1442His (NM_001099952.4); c.4306T>C, p.Tyr1436His (NM_001168272.2); c.4279T>C, p.Tyr1427His (NM_002222.7); short protein forms Y1427H, Y1436H, Y1442H, Y1451H.
Identifiers: ClinVar variation 2684237 (VCV002684237.1), dbSNP rs2469836684, ClinGen allele CA351632435.